The following is an entry in ClinVar:

NM_002485.5(NBN):c.1869dup (p.Arg624fs)

Genes: NBN (nibrin; minus strand), LOC126860438 (MED14-independent group 3 enhancer GRCh37_chr8:90959982-90961181; plus strand). Cytogenetic location: 8q21.3.
Variant type: Duplication.
Coding change: c.1869dup on transcript NM_002485.5 (MANE Select); coding-DNA position 1869, one base duplicated (A; older notation c.1869dupA).
Protein change: p.Arg624fs; shifts the reading frame from arginine 624.
Molecular consequence: frameshift variant.
Genome position (GRCh38, 1-based): chr8:89,947,869, T duplicated on the plus strand (A on the coding strand, the reverse complement: NBN is on the minus strand); the first of 3 consecutive T bases (chr8:89,947,869-89,947,871); duplicating any one gives the same sequence. VCF-style (leftmost placement, unchanged base first): chr8-89947868-G-GT. GRCh37 (hg19) VCF-style: chr8-90960096-G-GT.
Other names: c.1623dup, p.Arg542fs (NM_001024688.3); c.1869dupA (NM_002485.4); short protein forms R624fs, R542fs.
Identifiers: ClinVar variation 1781622 (VCV001781622.2), dbSNP rs2488209699, ClinGen allele CA2580079048.

ClinVar aggregate classification (germline): Pathogenic (1 of 4 stars; one submission).

Conditions:
Hereditary cancer-predisposing syndrome. Also called: Neoplastic Syndromes, Hereditary; Tumor predisposition; Hereditary Cancer Syndrome; Hereditary neoplastic syndrome. Identifiers: Orphanet 140162, MedGen C0027672, MeSH D009386, MONDO:0015356.

Submission:

Ambry Genetics
Classification: Pathogenic for Hereditary cancer-predisposing syndrome. Last evaluated: 2021-10-29. Review status: criteria provided, single submitter. Criteria: Ambry Variant Classification Scheme 2023. Collection method: clinical testing. Allele origin: germline.
Comment: The c.1869dupA pathogenic mutation, located in coding exon 12 of the NBN gene, results from a duplication of A at nucleotide position 1869, causing a translational frameshift with a predicted alternate stop codon (p.R624Tfs*2). This alteration is expected to result in loss of function by premature protein truncation or nonsense-mediated mRNA decay. As such, this alteration is interpreted as a disease-causing mutation.